The following is an entry in ClinVar:

ClinVar aggregate classification (germline): Likely benign (1 of 4 stars; one submission).

Submission:

CeGaT Center for Human Genetics Tuebingen
Classification: Likely benign. Last evaluated: 2023-07-01. Review status: criteria provided, single submitter. Criteria: CeGaT Center For Human Genetics Tuebingen Variant Classification Criteria Version 2. Collection method: clinical testing. Allele origin: germline. Affected: yes. Observed: 5 variant alleles.
Comment: SCN1B: BS1

NM_001037.5(SCN1B):c.*58_*59del

Gene: SCN1B (sodium voltage-gated channel beta subunit 1; plus strand). Cytogenetic location: 19q13.11.
Variant type: Deletion.
Coding change: c.*58_*59del on transcript NM_001037.5 (MANE Select); 58 bases downstream of the stop codon through 59 bases downstream of the stop codon, 2 bases deleted (AC; older notation c.*58_*59delAC).
Molecular consequence: 3 prime UTR variant.
Genome position (GRCh38, 1-based): chr19:35,039,849-35,039,850, AC deleted; deleting any 2 consecutive bases within chr19:35,039,848-35,039,850 gives the same sequence; the c. name uses the placement nearest the transcript's 3' end. VCF-style (leftmost placement, unchanged base first): chr19-35039847-GCA-G. GRCh37 (hg19) VCF-style: chr19-35530751-GCA-G.
Other names: c.*58_*59del (NM_001321605.2).
Identifiers: ClinVar variation 1711478 (VCV001711478.30), dbSNP rs72550273, ClinGen allele CA307708116.
Genomic context (GRCh38, chr19:35,039,847, plus strand): 5'-TCCCCTTCAGGCCCTGGGCCCCGCCTCAAGGAAGAGCCAGCCGTAATGGGGACTCTCCAG[GCA>G]CCGCCTGCCCCCAGCGTGGGGGTGGCCACTCCTGGGCCCCAGAAAGCCTCAGAGTCCTGC-3'